The following is an entry in ClinVar:

NM_025114.4(CEP290):c.5896A>G (p.Thr1966Ala)

Gene: CEP290 (centrosomal protein 290; minus strand). Cytogenetic location: 12q21.32.
Variant type: single nucleotide variant.
Coding change: c.5896A>G on transcript NM_025114.4 (MANE Select); coding-DNA position 5896, A replaced by G.
Protein change: p.Thr1966Ala; replaces threonine 1966 with alanine.
Molecular consequence: missense variant.
Genome position (GRCh38, 1-based): chr12:88,071,409, T>C on the plus strand (A>G on the coding strand, the complement: CEP290 is on the minus strand). VCF-style: chr12-88071409-T-C. GRCh37 (hg19) VCF-style: chr12-88465186-T-C.
Other names: short protein forms T1966A.
Identifiers: ClinVar variation 210697 (VCV000210697.19), dbSNP rs780570235, ClinGen allele CA208989.

ClinVar aggregate classification (germline): Conflicting classifications of pathogenicity. Review status: criteria provided, conflicting classifications (1 of 4 stars). 3 submissions from 3 submitters: Uncertain significance (1); Likely benign (1). 1 of the submissions does not count toward it. Last evaluated 2025-12-30.

Conditions:
CEP290-related disorder. Also called: CEP290-related disorders; CEP290-related condition. Identifiers: MedGen CN239314.
Meckel-Gruber syndrome. Also called: Dysencephalia splachnocystica; DYSENCEPHALIA SPLANCHNOCYSTICA; GRUBER SYNDROME. Identifiers: Orphanet 564, MedGen C0265215, MONDO:0018921.
Nephronophthisis. Also called: Juvenile Nephronophthisis. Identifiers: Orphanet 655, MedGen C0687120, MONDO:0019005, HP:0000090.
Joubert syndrome. Also called: CEREBELLOPARENCHYMAL DISORDER IV; JOUBERT-BOLTSHAUSER SYNDROME; Familial aplasia of the vermis. Identifiers: Orphanet 475, MedGen C5979921, MONDO:0018772.

Allele frequency attached by ClinVar (database versions not stated): gnomAD 0.00003 and 0.00004; TOPMed 0.00010; gnomAD exomes 0.00035; ExAC 0.00037.
gnomAD v4.1: 100 of 1,610,958 alleles (0.0062%); highest among the groups gnomAD compares: Admixed American, 0.16%; no homozygotes.

Submissions (3):

Labcorp Genetics (formerly Invitae), Labcorp
Classification: Likely benign for Joubert syndrome; Meckel-Gruber syndrome; Nephronophthisis. Last evaluated: 2025-12-30. Review status: criteria provided, single submitter. Criteria: Invitae Variant Classification Sherloc (09022015). Collection method: clinical testing. Allele origin: germline.

Genetic Services Laboratory, University of Chicago
Classification: Uncertain significance. Last evaluated: 2014-03-18. Review status: criteria provided, single submitter. Criteria: ACMG Guidelines, 2007. Collection method: clinical testing. Allele origin: germline.

PreventionGenetics, part of Exact Sciences
Classification: Likely benign for CEP290-related condition. Last evaluated: 2022-02-12. Review status: no assertion criteria provided. Collection method: clinical testing. Allele origin: germline. Not counted in ClinVar's aggregate classification.
Comment: This variant is classified as likely benign based on ACMG/AMP sequence variant interpretation guidelines (Richards et al. 2015 PMID: 25741868, with internal and published modifications).